The following is an entry in ClinVar:

NM_022168.4(IFIH1):c.1534A>G (p.Asn512Asp)

Gene: IFIH1 (interferon induced with helicase C domain 1; minus strand). Cytogenetic location: 2q24.2.
Variant type: single nucleotide variant.
Coding change: c.1534A>G on transcript NM_022168.4 (MANE Select); coding-DNA position 1534, A replaced by G.
Protein change: p.Asn512Asp; replaces asparagine 512 with aspartic acid.
Molecular consequence: missense variant.
Genome position (GRCh38, 1-based): chr2:162,280,103, T>C on the plus strand (A>G on the coding strand, the complement: IFIH1 is on the minus strand). VCF-style: chr2-162280103-T-C. GRCh37 (hg19) VCF-style: chr2-163136613-T-C.
Other names: short protein forms N512D.
Identifiers: ClinVar variation 1928435 (VCV001928435.5), dbSNP rs2105200526, ClinGen allele CA349001183.
Genomic context (GRCh38, chr2:162,280,103, plus strand): 5'-TTTGGTTTTTCAGTTGATCAAGGTTTTCTTTAACAGTTTTAATAGTAAATGCATCAAGAT[T>C]GGCACATAGCTGGAAAAGAGACATTTTTCAATATTTATGCAATTATTTTTCCCTTTCACT-3'
Protein context (NP_071451.2, residues 502-522): AEEHILKLCA[Asn512Asp]LDAFTIKTVK

ClinVar aggregate classification (germline): Uncertain significance (1 of 4 stars; one submission).

Conditions:
Singleton-Merten syndrome 1 (SGMRT1). Also called: Widened medullary cavities of bone, aortic calcification, abnormal dentition, and muscular weakness; Syndrome of widened medullary cavities of the metacarpals and phalanges, aortic calcification and abnormal dentition. Identifiers: Orphanet 85191, MedGen C4225427, MONDO:0024535, OMIM 182250.
Aicardi-Goutieres syndrome 7 (AGS7). Identifiers: Orphanet 51, MedGen C3888244, MONDO:0014367, OMIM 615846.

gnomAD v4.1: 2 of 1,543,792 alleles (0.00013%); highest among the groups gnomAD compares: Non-Finnish European, 0.00018%; no homozygotes.

Submission:

Labcorp Genetics (formerly Invitae), Labcorp
Classification: Uncertain significance for Aicardi-Goutieres syndrome 7; Singleton-Merten syndrome 1. Last evaluated: 2022-05-17. Review status: criteria provided, single submitter. Criteria: Invitae Variant Classification Sherloc (09022015). Collection method: clinical testing. Allele origin: germline.
Comment: This variant has not been reported in the literature in individuals affected with IFIH1-related conditions. Algorithms developed to predict the effect of missense changes on protein structure and function are either unavailable or do not agree on the potential impact of this missense change (SIFT: "Tolerated"; PolyPhen-2: "Possibly Damaging"; Align-GVGD: "Class C0"). In summary, the available evidence is currently insufficient to determine the role of this variant in disease. Therefore, it has been classified as a Variant of Uncertain Significance. This variant is not present in population databases (gnomAD no frequency). This sequence change replaces asparagine, which is neutral and polar, with aspartic acid, which is acidic and polar, at codon 512 of the IFIH1 protein (p.Asn512Asp).